The following is an entry in ClinVar:

NM_006270.5(RRAS):c.436C>A (p.Leu146Met)

Gene: RRAS (RAS related; minus strand). Cytogenetic location: 19q13.33.
Variant type: single nucleotide variant.
Coding change: c.436C>A on transcript NM_006270.5 (MANE Select); coding-DNA position 436, C replaced by A.
Protein change: p.Leu146Met; replaces leucine 146 with methionine.
Molecular consequence: missense variant.
Genome position (GRCh38, 1-based): chr19:49,636,636, G>T on the plus strand (C>A on the coding strand, the complement: RRAS is on the minus strand). VCF-style: chr19-49636636-G-T. GRCh37 (hg19) VCF-style: chr19-50139893-G-T.
Other names: short protein forms L146M.
Identifiers: ClinVar variation 1966469 (VCV001966469.5), dbSNP rs2513706356, ClinGen allele CA406846003.

ClinVar aggregate classification (germline): Uncertain significance (1 of 4 stars; one submission).

Conditions:
Noonan syndrome (NS). Also called: Noonan's syndrome. Identifiers: Orphanet 648, MedGen C0028326, MeSH D009634, MONDO:0018997. Disease mechanism: gain of function.

Submission:

Labcorp Genetics (formerly Invitae), Labcorp
Classification: Uncertain significance for Noonan syndrome. Last evaluated: 2021-12-10. Review status: criteria provided, single submitter. Criteria: Invitae Variant Classification Sherloc (09022015). Collection method: clinical testing. Allele origin: germline.
Comment: In summary, the available evidence is currently insufficient to determine the role of this variant in disease. Therefore, it has been classified as a Variant of Uncertain Significance. Algorithms developed to predict the effect of missense changes on protein structure and function are either unavailable or do not agree on the potential impact of this missense change (SIFT: "Deleterious"; PolyPhen-2: "Possibly Damaging"; Align-GVGD: "Class C0"). This variant has not been reported in the literature in individuals affected with RRAS-related conditions. This variant is not present in population databases (gnomAD no frequency). This sequence change replaces leucine, which is neutral and non-polar, with methionine, which is neutral and non-polar, at codon 146 of the RRAS protein (p.Leu146Met).